The following is an entry in ClinVar:

NM_005886.3(KATNB1):c.1935C>T (p.Arg645=)

Gene: KATNB1 (katanin regulatory subunit B1; plus strand). Cytogenetic location: 16q21.
Variant type: single nucleotide variant.
Coding change: c.1935C>T on transcript NM_005886.3 (MANE Select); coding-DNA position 1935, C replaced by T.
Protein change: p.Arg645=; no amino-acid change (arginine 645 retained).
Molecular consequence: synonymous variant.
Genome position (GRCh38, 1-based): chr16:57,756,913, C>T. VCF-style: chr16-57756913-C-T. GRCh37 (hg19) VCF-style: chr16-57790825-C-T.
Other names: c.1935C>T (NM_005886.2).
Identifiers: ClinVar variation 2969274 (VCV002969274.4), dbSNP rs1357457026, ClinGen allele CA495644730.
Genomic context (GRCh38, chr16:57,756,913, plus strand): 5'-CATCAGCGGCCTGGTCAAGAGCAAGTCAGGCCTGAGCGGCCGCCATGGCAGTACCTTCCG[C>T]GAGCTGCACCTGCTCATGGCCAGTCTGGACTGAGGAAAGCAGTGGGCAGGGGCGCTCGGC-3'
Protein context (NP_005877.2, residues 635-655): GLSGRHGSTF[Arg645=]ELHLLMASLD

ClinVar aggregate classification (germline): Likely benign. Review status: criteria provided, multiple submitters, no conflicts (2 of 4 stars). 2 submissions from 2 submitters: Likely benign (2). Last evaluated 2025-12-24.

Conditions:
KATNB1-related disorder. Also called: KATNB1-related condition.

Allele frequency attached by ClinVar (database versions not stated): gnomAD 0.00002; TOPMed 0.00002.

Submissions (2):

PreventionGenetics, part of Exact Sciences
Classification: Likely benign for KATNB1-related condition. Last evaluated: 2025-12-24. Review status: criteria provided, single submitter. Criteria: ACMG Guidelines, 2015. Collection method: clinical testing. Allele origin: germline.
Comment: This variant is classified as likely benign based on ACMG/AMP sequence variant interpretation guidelines (Richards et al. 2015 PMID: 25741868, with internal and published modifications).

Labcorp Genetics (formerly Invitae), Labcorp
Classification: Likely benign. Last evaluated: 2024-01-15. Review status: criteria provided, single submitter. Criteria: Invitae Variant Classification Sherloc (09022015). Collection method: clinical testing. Allele origin: germline.